The following is an entry in ClinVar:

NM_017752.3(TBC1D8B):c.587-2A>C

Gene: TBC1D8B (TBC1 domain family member 8B; plus strand). Cytogenetic location: Xq22.3.
Variant type: single nucleotide variant.
Coding change: c.587-2A>C on transcript NM_017752.3 (MANE Select); the canonical splice acceptor site of the intron before coding-DNA position 587, A replaced by C.
Molecular consequence: splice acceptor variant.
Genome position (GRCh38, 1-based): chrX:106,823,224, A>C. VCF-style: chrX-106823224-A-C. GRCh37 (hg19) VCF-style: chrX-106066454-A-C.
Other names: c.587-2A>C (NM_198881.2).
Identifiers: ClinVar variation 2802447 (VCV002802447.4), dbSNP rs1931744501, ClinGen allele CA413821520.

ClinVar aggregate classification (germline): Uncertain significance. Review status: criteria provided, multiple submitters, no conflicts (2 of 4 stars). 2 submissions from 2 submitters: Uncertain significance (2). Last evaluated 2023-03-27.

gnomAD v4.1: 2 of 1,205,004 alleles (0.00017%); highest among the groups gnomAD compares: Non-Finnish European, 0.00011%; no homozygotes.

Submissions (2):

Labcorp Genetics (formerly Invitae), Labcorp
Classification: Uncertain significance. Last evaluated: 2023-03-27. Review status: criteria provided, single submitter. Criteria: Invitae Variant Classification Sherloc (09022015). Collection method: clinical testing. Allele origin: germline.
Comment: In summary, the available evidence is currently insufficient to determine the role of this variant in disease. Therefore, it has been classified as a Variant of Uncertain Significance. Algorithms developed to predict the effect of sequence changes on RNA splicing suggest that this variant may disrupt the consensus splice site. This variant has not been reported in the literature in individuals affected with TBC1D8B-related conditions. This variant is not present in population databases (gnomAD no frequency). This sequence change affects an acceptor splice site in intron 4 of the TBC1D8B gene. It is expected to disrupt RNA splicing. Variants that disrupt the donor or acceptor splice site typically lead to a loss of protein function (PMID: 16199547), however the current clinical and genetic evidence is not sufficient to establish whether loss-of-function variants in TBC1D8B cause disease.

Blueprint Genetics
Classification: Uncertain significance. Last evaluated: 2022-02-18. Review status: criteria provided, single submitter. Criteria: ACMG Guidelines, 2015. Collection method: clinical testing. Allele origin: germline.

Literature cited by the submitters: PubMed 16199547 (cited by Labcorp Genetics (formerly Invitae), Labcorp).